The following is an entry in ClinVar:

NM_001458.5(FLNC):c.2023C>T (p.Pro675Ser)

Gene: FLNC (filamin C; plus strand). Cytogenetic location: 7q32.1.
Variant type: single nucleotide variant.
Coding change: c.2023C>T on transcript NM_001458.5 (MANE Select); coding-DNA position 2023, C replaced by T.
Protein change: p.Pro675Ser; replaces proline 675 with serine.
Molecular consequence: missense variant.
Genome position (GRCh38, 1-based): chr7:128,841,469, C>T. VCF-style: chr7-128841469-C-T. GRCh37 (hg19) VCF-style: chr7-128481523-C-T.
Other names: c.2023C>T, p.Pro675Ser (NM_001127487.2); short protein forms P675S.
Identifiers: ClinVar variation 574180 (VCV000574180.15), dbSNP rs1227192105, ClinGen allele CA369227622.

ClinVar aggregate classification (germline): Conflicting classifications of pathogenicity. Review status: criteria provided, conflicting classifications (1 of 4 stars). 5 submissions from 5 submitters: Uncertain significance (4); Likely benign (1). Last evaluated 2026-06-09.

Conditions:
FLNC-related disorder. Also called: FLNC-related condition; FLNC-related disorders.
Hypertrophic cardiomyopathy 26. Also called: Cardiomyopathy, familial hypertrophic, 26. Identifiers: Orphanet 75249, MedGen C4310749, MONDO:0014883, OMIM 617047.
Distal myopathy with posterior leg and anterior hand involvement. Also called: WILLIAMS DISTAL MYOPATHY. Identifiers: Orphanet 63273, MedGen C3279722, MONDO:0013550, OMIM 614065.
Myofibrillar myopathy 5. Also called: Filaminopathy (type); FILAMINOPATHY, AUTOSOMAL DOMINANT. Identifiers: Orphanet 171445, MedGen C1836050, MONDO:0012289, OMIM 609524.
Cardiovascular phenotype. Identifiers: MedGen CN230736.

Allele frequency attached by ClinVar (database versions not stated): gnomAD 0.00001; gnomAD exomes 0.00001 and 0.00002; TOPMed 0.00001.
gnomAD v4.1: 16 of 1,613,962 alleles (0.00099%); highest among the groups gnomAD compares: Admixed American, 0.0017%; no homozygotes.

Submissions (5):

PreventionGenetics, part of Exact Sciences
Classification: Uncertain significance for FLNC-related condition. Last evaluated: 2026-06-09. Review status: criteria provided, single submitter. Criteria: ACMG Guidelines, 2015. Collection method: clinical testing. Allele origin: germline.
Comment: The FLNC c.2023C>T variant is predicted to result in the amino acid substitution p.Pro675Ser. To our knowledge, this variant has not been reported in the literature. This variant is reported in 0.0065% of alleles in individuals of African descent in gnomAD. At this time, the clinical significance of this variant is uncertain due to the absence of conclusive functional and genetic evidence.

Labcorp Genetics (formerly Invitae), Labcorp
Classification: Likely benign for Distal myopathy with posterior leg and anterior hand involvement; Myofibrillar myopathy 5; Hypertrophic cardiomyopathy 26. Last evaluated: 2025-09-23. Review status: criteria provided, single submitter. Criteria: Invitae Variant Classification Sherloc (09022015). Collection method: clinical testing. Allele origin: germline.

Ambry Genetics
Classification: Uncertain significance for Cardiovascular phenotype. Last evaluated: 2025-06-30. Review status: criteria provided, single submitter. Criteria: Ambry Variant Classification Scheme 2023. Collection method: clinical testing. Allele origin: germline.
Comment: The p.P675S variant (also known as c.2023C>T), located in coding exon 13 of the FLNC gene, results from a C to T substitution at nucleotide position 2023. The proline at codon 675 is replaced by serine, an amino acid with similar properties. This variant was reported in individual(s) with features consistent with dilated cardiomyopathy and hypertrophic cardiomyopathy (Ambry internal data). This amino acid position is well conserved in available vertebrate species. In addition, the in silico prediction for this alteration is inconclusive. Based on the available evidence, the clinical significance of this variant remains unclear.

Revvity Omics, Revvity
Classification: Uncertain significance. Last evaluated: 2025-03-26. Review status: criteria provided, single submitter. Criteria: ACMG Guidelines, 2015. Collection method: clinical testing. Allele origin: germline.

Fulgent Genetics
Classification: Uncertain significance for Myofibrillar myopathy 5; Distal myopathy with posterior leg and anterior hand involvement; Hypertrophic cardiomyopathy 26. Last evaluated: 2021-08-24. Review status: criteria provided, single submitter. Criteria: ACMG Guidelines, 2015. Collection method: clinical testing. Allele origin: unknown.